The following is an entry in ClinVar:

ClinVar aggregate classification (germline): Pathogenic (1 of 4 stars; one submission).

Conditions:
Intellectual developmental disorder, autosomal recessive 7. Also called: Intellectual disability, autosomal recessive 7. Identifiers: Orphanet 88616, MedGen C1970197, MONDO:0012615, OMIM 611093.

Submission:

Women's Health and Genetics/Laboratory Corporation of America, LabCorp
Classification: Pathogenic for Intellectual developmental disorder, autosomal recessive 7. Last evaluated: 2025-10-14. Review status: criteria provided, single submitter. Criteria: LabCorp Variant Classification Summary - May 2015. Collection method: clinical testing. Allele origin: germline.
Comment: Variant summary: The variant involves the deletion of exons 7-10 in the TUSC3 gene. A presumed nomenclature of c.(798+1_799-1)_(*46+1_*47-1)del has been designated for the purposes of this classification. The exact breakpoint at the distal 3' end of this variant is unknown, therefore this deletion may extend downstream of the annotated region of the gene. As it encompasses the termination codon, it is predicted to escape nonsense mediated decay (NMD). Loss-of-function variants in this gene are known to be pathogenic. The variant was absent in 21694 control chromosomes. To our knowledge, no occurrence of c.(798+1_799-1)_(*46+1_*47-1)del in individuals affected with TUSC3-related conditions and no experimental evidence demonstrating its impact on protein function have been reported. However, a downstream missense variant (c.1028G>C, p.Ser343Thr) encompassed by this deletion has been determined to be likely pathogenic/pathogenic by our laboratory (PMID: 34646667), supporting the critical relevance of this region for TUSC3 protein function. ClinVar contains an entry for this variant (Variation ID: 1062649). Based on the evidence outlined above, the variant was classified as pathogenic.

NC_000008.10:g.(15531346_15588174)_(15615365_15621711)del

Gene: TUSC3 (tumor suppressor candidate 3; plus strand). Cytogenetic location: 8p22.
Variant type: Deletion.
Identifiers: ClinVar variation 4687305 (VCV004687305.1).